The following is an entry in ClinVar:

NM_198578.4(LRRK2):c.2395G>A (p.Ala799Thr)

Gene: LRRK2 (leucine rich repeat kinase 2; plus strand). Cytogenetic location: 12q12.
Variant type: single nucleotide variant.
Coding change: c.2395G>A on transcript NM_198578.4 (MANE Select); coding-DNA position 2395, G replaced by A.
Protein change: p.Ala799Thr; replaces alanine 799 with threonine.
Molecular consequence: missense variant.
Genome position (GRCh38, 1-based): chr12:40,284,028, G>A. VCF-style: chr12-40284028-G-A. GRCh37 (hg19) VCF-style: chr12-40677830-G-A.
Other names: short protein forms A799T.
Identifiers: ClinVar variation 2562436 (VCV002562436.2), dbSNP rs1400920879, ClinGen allele CA384406901.

ClinVar aggregate classification (germline): Uncertain significance (1 of 4 stars; one submission).

Conditions:
Inborn genetic diseases. Identifiers: MedGen C0950123, MeSH D030342.

Allele frequency attached by ClinVar (database versions not stated): gnomAD exomes below 0.00001.
gnomAD v4.1: 1 of 1,613,848 alleles (0.000062%); highest among the groups gnomAD compares: Admixed American, 0.0017%; no homozygotes.

Submission:

Ambry Genetics
Classification: Uncertain significance for Inborn genetic diseases. Last evaluated: 2023-05-23. Review status: criteria provided, single submitter. Criteria: Ambry Variant Classification Scheme 2023. Collection method: clinical testing. Allele origin: germline.
Comment: The p.A799T variant (also known as c.2395G>A), located in coding exon 19 of the LRRK2 gene, results from a G to A substitution at nucleotide position 2395. The alanine at codon 799 is replaced by threonine, an amino acid with similar properties. This amino acid position is conserved. In addition, this alteration is predicted to be tolerated by in silico analysis. Since supporting evidence is limited at this time, the clinical significance of this alteration remains unclear.